The following is an entry in ClinVar:

ClinVar aggregate classification (germline): Likely benign (1 of 4 stars; one submission).

Allele frequency attached by ClinVar (database versions not stated): TOPMed 0.00717; gnomAD 0.00777; 1000 Genomes Project 0.00879; 1000 Genomes Project 30x 0.00921.
gnomAD v4.1: 1,256 of 152,058 alleles (0.83%); highest among the groups gnomAD compares: Middle Eastern, 3.1%; 15 homozygotes.

Submission:

GeneDx
Classification: Likely benign. Last evaluated: 2018-06-14. Review status: criteria provided, single submitter. Criteria: GeneDx Variant Classification (06012015). Collection method: clinical testing. Allele origin: germline. Affected: yes.
Comment: This variant is considered likely benign or benign based on one or more of the following criteria: it is a conservative change, it occurs at a poorly conserved position in the protein, it is predicted to be benign by multiple in silico algorithms, and/or has population frequency not consistent with disease.

NM_001851.6(COL9A1):c.801+306G>A

Gene: COL9A1 (collagen type IX alpha 1 chain; minus strand). Cytogenetic location: 6q13.
Variant type: single nucleotide variant.
Coding change: c.801+306G>A on transcript NM_001851.6 (MANE Select); 306 bases into the intron after coding-DNA position 801, G replaced by A.
Molecular consequence: intron variant.
Genome position (GRCh38, 1-based): chr6:70,282,592, C>T on the plus strand (G>A on the coding strand, the complement: COL9A1 is on the minus strand). VCF-style: chr6-70282592-C-T. GRCh37 (hg19) VCF-style: chr6-70992295-C-T.
Other names: c.72+389G>A (NM_001377290.1, NM_078485.4, NM_001377289.1); c.801+306G>A (NM_001377291.1).
Identifiers: ClinVar variation 671315 (VCV000671315.1), dbSNP rs142034122, ClinGen allele CA12327134.